The following is an entry in ClinVar:

NM_001130144.3(LTBP3):c.529G>A (p.Asp177Asn)

Gene: LTBP3 (latent transforming growth factor beta binding protein 3; minus strand). Cytogenetic location: 11q13.1.
Variant type: single nucleotide variant.
Coding change: c.529G>A on transcript NM_001130144.3 (MANE Select); coding-DNA position 529, G replaced by A.
Protein change: p.Asp177Asn; replaces aspartic acid 177 with asparagine.
Molecular consequence: missense variant.
Genome position (GRCh38, 1-based): chr11:65,554,183, C>T on the plus strand (G>A on the coding strand, the complement: LTBP3 is on the minus strand). VCF-style: chr11-65554183-C-T. GRCh37 (hg19) VCF-style: chr11-65321654-C-T.
Other names: c.178G>A, p.Asp60Asn (NM_001164266.1); c.529G>A, p.Asp177Asn (NM_021070.4); short protein forms D177N, D60N.
Identifiers: ClinVar variation 2905845 (VCV002905845.3), dbSNP rs747090910, ClinGen allele CA6101215.

ClinVar aggregate classification (germline): Uncertain significance (1 of 4 stars; one submission).

Conditions:
Brachyolmia-amelogenesis imperfecta syndrome. Also called: PLATYSPONDYLY WITH AMELOGENESIS IMPERFECTA; Tooth agenesis, selective, 6; Dental anomalies and short stature. Identifiers: Orphanet 2899, MedGen C1832594, MONDO:0011018, OMIM 601216. Disease mechanism: loss of function.

Allele frequency attached by ClinVar (database versions not stated): gnomAD exomes below 0.00001; ExAC 0.00001.

Submission:

Labcorp Genetics (formerly Invitae), Labcorp
Classification: Uncertain significance for Brachyolmia-amelogenesis imperfecta syndrome. Last evaluated: 2025-08-30. Review status: criteria provided, single submitter. Criteria: Invitae Variant Classification Sherloc (09022015). Collection method: clinical testing. Allele origin: germline.
Comment: This sequence change replaces aspartic acid, which is acidic and polar, with asparagine, which is neutral and polar, at codon 177 of the LTBP3 protein (p.Asp177Asn). This variant is present in population databases (rs747090910, gnomAD 0.001%). This variant has not been reported in the literature in individuals affected with LTBP3-related conditions. ClinVar contains an entry for this variant (Variation ID: 2905845). An algorithm developed to predict the effect of missense changes on protein structure and function (PolyPhen-2) suggests that this variant is likely to be tolerated. In summary, the available evidence is currently insufficient to determine the role of this variant in disease. Therefore, it has been classified as a Variant of Uncertain Significance.